The following is an entry in ClinVar:

ClinVar aggregate classification (germline): Uncertain significance (1 of 4 stars; one submission).

Conditions:
Primary ciliary dyskinesia. Also called: Ciliary dyskinesia. Identifiers: Orphanet 244, MedGen C0008780, MONDO:0016575, HP:0012265.

gnomAD v4.1: 1 of 1,613,596 alleles (0.000062%); highest among the groups gnomAD compares: Non-Finnish European, 0.000085%; no homozygotes.

Submission:

Ambry Genetics
Classification: Uncertain significance for Primary ciliary dyskinesia. Last evaluated: 2014-08-08. Review status: criteria provided, single submitter. Criteria: Ambry Variant Classification Scheme 2023. Collection method: clinical testing. Allele origin: germline.
Comment: The p.T1207P variant (also known as c.3619A>C), located in coding exon 24 of the DNAH5 gene, results from an A to C substitution at nucleotide position 3619. The threonine at codon 1207 is replaced by proline, an amino acid with highly similar properties. This variant was not reported in population based cohorts in the following databases: Database of Single Nucleotide Polymorphisms (dbSNP), NHLBI Exome Sequencing Project (ESP), and 1000 Genomes Project. In the ESP, this variant was not observed in 6501 samples (13002 alleles) with coverage at this position. This amino acid position is well conserved in available vertebrate species. In addition, the in silico prediction for this alteration is inconclusive. Since supporting evidence is limited at this time, the clinical significance of this variant remains unclear.

NM_001369.3(DNAH5):c.3619A>C (p.Thr1207Pro)

Genes: DNAH5 (dynein axonemal heavy chain 5; minus strand), DNAH5-AS1 (DNAH5 antisense RNA 1; plus strand). Cytogenetic location: 5p15.2.
Variant type: single nucleotide variant.
Coding change: c.3619A>C on transcript NM_001369.3 (MANE Select); coding-DNA position 3619, A replaced by C.
Protein change: p.Thr1207Pro; replaces threonine 1207 with proline.
Molecular consequence: missense variant.
Genome position (GRCh38, 1-based): chr5:13,870,982, T>G on the plus strand (A>C on the coding strand, the complement: DNAH5 is on the minus strand). VCF-style: chr5-13870982-T-G. GRCh37 (hg19) VCF-style: chr5-13871091-T-G.
Other names: short protein forms T1207P.
Identifiers: ClinVar variation 1733291 (VCV001733291.2), dbSNP rs751652153, ClinGen allele CA359232389.